The following is an entry in ClinVar:

NM_030773.4(TUBB1):c.1201G>A (p.Glu401Lys)

Gene: TUBB1 (tubulin beta 1 class VI; plus strand). Cytogenetic location: 20q13.32.
Variant type: single nucleotide variant.
Coding change: c.1201G>A on transcript NM_030773.4 (MANE Select); coding-DNA position 1201, G replaced by A.
Protein change: p.Glu401Lys; replaces glutamic acid 401 with lysine.
Molecular consequence: missense variant.
Genome position (GRCh38, 1-based): chr20:59,024,628, G>A. VCF-style: chr20-59024628-G-A. GRCh37 (hg19) VCF-style: chr20-57599683-G-A.
Other names: short protein forms E401K.
Identifiers: ClinVar variation 3719580 (VCV003719580.2).

ClinVar aggregate classification (germline): Uncertain significance (1 of 4 stars; one submission).

Submission:

Labcorp Genetics (formerly Invitae), Labcorp
Classification: Uncertain significance. Last evaluated: 2024-03-13. Review status: criteria provided, single submitter. Criteria: Invitae Variant Classification Sherloc (09022015). Collection method: clinical testing. Allele origin: germline.
Comment: This sequence change replaces glutamic acid, which is acidic and polar, with lysine, which is basic and polar, at codon 401 of the TUBB1 protein (p.Glu401Lys). This variant is present in population databases (rs781518544, gnomAD 0.004%). This variant has not been reported in the literature in individuals affected with TUBB1-related conditions. Advanced modeling of protein sequence and biophysical properties (such as structural, functional, and spatial information, amino acid conservation, physicochemical variation, residue mobility, and thermodynamic stability) performed at Invitae indicates that this missense variant is expected to disrupt TUBB1 protein function with a positive predictive value of 80%. In summary, the available evidence is currently insufficient to determine the role of this variant in disease. Therefore, it has been classified as a Variant of Uncertain Significance.